The following is an entry in ClinVar:

NM_033448.3(KRT71):c.1420G>A (p.Gly474Ser)

Gene: KRT71 (keratin 71; minus strand). Cytogenetic location: 12q13.13.
Variant type: single nucleotide variant.
Coding change: c.1420G>A on transcript NM_033448.3 (MANE Select); coding-DNA position 1420, G replaced by A.
Protein change: p.Gly474Ser; replaces glycine 474 with serine.
Molecular consequence: missense variant.
Genome position (GRCh38, 1-based): chr12:52,544,684, C>T on the plus strand (G>A on the coding strand, the complement: KRT71 is on the minus strand). VCF-style: chr12-52544684-C-T. GRCh37 (hg19) VCF-style: chr12-52938468-C-T.
Other names: short protein forms G474S.
Identifiers: ClinVar variation 2254138 (VCV002254138.7), dbSNP rs149479435, ClinGen allele CA6583044.

ClinVar aggregate classification (germline): Uncertain significance. Review status: criteria provided, multiple submitters, no conflicts (2 of 4 stars). 3 submissions from 3 submitters: Uncertain significance (3). Last evaluated 2025-02-13.

Allele frequency attached by ClinVar (database versions not stated): ESP Exome Variant Server 0.00031; TOPMed 0.00031.
gnomAD v4.1: 150 of 1,613,642 alleles (0.0093%); highest among the groups gnomAD compares: African/African-American, 0.089%; no homozygotes.

Submissions (3):

Ambry Genetics
Classification: Uncertain significance. Last evaluated: 2025-02-13. Review status: criteria provided, single submitter. Criteria: Ambry Variant Classification Scheme 2023. Collection method: clinical testing. Allele origin: germline.

Labcorp Genetics (formerly Invitae), Labcorp
Classification: Uncertain significance. Last evaluated: 2024-01-29. Review status: criteria provided, single submitter. Criteria: Invitae Variant Classification Sherloc (09022015). Collection method: clinical testing. Allele origin: germline.
Comment: This sequence change replaces glycine, which is neutral and non-polar, with serine, which is neutral and polar, at codon 474 of the KRT71 protein (p.Gly474Ser). This variant is present in population databases (rs149479435, gnomAD 0.07%), and has an allele count higher than expected for a pathogenic variant. This variant has not been reported in the literature in individuals affected with KRT71-related conditions. ClinVar contains an entry for this variant (Variation ID: 2254138). Algorithms developed to predict the effect of missense changes on protein structure and function output the following: SIFT: "Not Available"; PolyPhen-2: "Possibly Damaging"; Align-GVGD: "Not Available". The serine amino acid residue is found in multiple mammalian species, which suggests that this missense change does not adversely affect protein function. In summary, the available evidence is currently insufficient to determine the role of this variant in disease. Therefore, it has been classified as a Variant of Uncertain Significance.

Breakthrough Genomics
Classification: Uncertain significance. Review status: criteria provided, single submitter. Criteria: ACMG Guidelines, 2015. Collection method: not provided. Allele origin: germline. Inheritance: Autosomal dominant inheritance. Affected: yes.